The following is an entry in ClinVar:

ClinVar aggregate classification (germline): Uncertain significance (1 of 4 stars; one submission).

Conditions:
Hereditary cancer-predisposing syndrome. Also called: Hereditary Cancer Syndrome; Neoplastic Syndromes, Hereditary; Tumor predisposition; Hereditary neoplastic syndrome. Identifiers: Orphanet 140162, MedGen C0027672, MeSH D009386, MONDO:0015356.

Submission:

Color Diagnostics, LLC DBA Color Health
Classification: Uncertain significance for Hereditary cancer-predisposing syndrome. Last evaluated: 2023-12-05. Review status: criteria provided, single submitter. Criteria: ACMG Guidelines, 2015. Collection method: clinical testing. Allele origin: germline.
Comment: This missense variant replaces leucine with tryptophan at codon 1889 of the ATM protein. Computational prediction suggests that this variant may not impact protein structure and function (internally defined REVEL score threshold <= 0.5, PMID: 27666373). To our knowledge, functional studies have not been reported for this variant. This variant has not been reported in individuals affected with ATM-related disorders in the literature. This variant has not been identified in the general population by the Genome Aggregation Database (gnomAD). The available evidence is insufficient to determine the role of this variant in disease conclusively. Therefore, this variant is classified as a Variant of Uncertain Significance.

NM_000051.4(ATM):c.5666T>G (p.Leu1889Trp)

Gene: ATM (ATM serine/threonine kinase; plus strand). Cytogenetic location: 11q22.3.
Variant type: single nucleotide variant.
Coding change: c.5666T>G on transcript NM_000051.4 (MANE Select); coding-DNA position 5666, T replaced by G.
Protein change: p.Leu1889Trp; replaces leucine 1889 with tryptophan.
Molecular consequence: missense variant.
Genome position (GRCh38, 1-based): chr11:108,304,844, T>G. VCF-style: chr11-108304844-T-G. GRCh37 (hg19) VCF-style: chr11-108175571-T-G.
Other names: c.5666T>G, p.Leu1889Trp (NM_001351834.2); short protein forms L1889W.
Identifiers: ClinVar variation 489561 (VCV000489561.6), dbSNP rs1555107606, ClinGen allele CA382546572.